The following is an entry in ClinVar:

ClinVar aggregate classification (germline): Likely benign (1 of 4 stars; one submission).

Submission:

CeGaT Center for Human Genetics Tuebingen
Classification: Likely benign. Last evaluated: 2025-04-01. Review status: criteria provided, single submitter. Criteria: CeGaT Center For Human Genetics Tuebingen Variant Classification Criteria Version 2. Collection method: clinical testing. Allele origin: germline. Affected: yes. Observed: 1 variant allele.
Comment: RNF34: PM2:Supporting, BP4, BP7

NM_025126.4(RNF34):c.672T>C (p.Asp224=)

Genes: KDM2B (lysine demethylase 2B; minus strand), RNF34 (ring finger protein 34; plus strand). Cytogenetic location: 12q24.31.
Variant type: single nucleotide variant.
Coding change: c.672T>C on transcript NM_025126.4 (MANE Select); coding-DNA position 672, T replaced by C.
Protein change: p.Asp224=; no amino-acid change (aspartic acid 224 retained).
Molecular consequence: synonymous variant. On other transcripts: non-coding transcript variant (1).
Genome position (GRCh38, 1-based): chr12:121,420,280, T>C. VCF-style: chr12-121420280-T-C. GRCh37 (hg19) VCF-style: chr12-121858083-T-C.
Other names: c.96T>C, p.Asp32= (NM_001256858.2); c.675T>C, p.Asp225= (NM_001394208.1, NM_194271.3).
Identifiers: ClinVar variation 3898655 (VCV003898655.7).
Genomic context (GRCh38, chr12:121,420,280, plus strand): 5'-CAGATACGTTGTATAAGTGTAGGTACAAAGTGAAATCACTTCAGCAAACACAGAAGATGA[T>C]GATGACGACGATGATGAGGATGATGATGATGAAGAAGAAAACGCAGAGGATCGGGTGAGG-3'
Protein context (NP_079402.2, residues 214-234): SEITSANTED[Asp224=]DDDDDEDDDD